The following is an entry in ClinVar:

NC_000020.11:g.46025944_46030471dup

Gene: SLC12A5 (solute carrier family 12 member 5; plus strand). Cytogenetic location: 20q13.12.
Variant type: Duplication.
Molecular consequence: intron variant (on NM_001134771.2).
Genome position: GRCh38: chr20:46,025,944-46,030,471. GRCh37 (hg19): chr20:44,654,583-44,659,110.
Other names: c.121+4058_122-4477dup (NM_001134771.2).
Identifiers: ClinVar variation 4688218 (VCV004688218.1).

ClinVar aggregate classification (germline): Uncertain significance (1 of 4 stars; one submission).

Submission:

Women's Health and Genetics/Laboratory Corporation of America, LabCorp
Classification: Uncertain significance. Last evaluated: 2025-12-18. Review status: criteria provided, single submitter. Criteria: LabCorp Variant Classification Summary - May 2015. Collection method: clinical testing. Allele origin: germline.
Comment: Variant summary: The variant involves the duplication of exon 1 in the SLC12A5 gene (NM_020708). A presumed nomenclature of NM_020708 c.(?_-131)_(52+1_53-1)dup has been designated for the purposes of this classification. It is predicted to duplicate a segment including the initiation codon, therefore its impact on the encoded protein is unknown. This variant, also annotated as NM_001134771 c.121+4058_122-4477dup, involves the duplication of part of intron 1 in the NM_001134771 alternate transcript, where it is located at a position not widely known to affect splicing. A similar duplication was found at a frequency of 1.7e-05 in 120498 control chromosomes in the gnomAD database (Structural Variants v4.1 dataset). The available data on variant occurrences in the general population are insufficient to allow any conclusion about variant significance. To our knowledge, no occurrence of c.(?_-131)_(52+1_53-1)dup in individuals affected with SLC12A5-related conditions and no experimental evidence demonstrating its impact on protein function have been reported. No submitters have cited clinical-significance assessments for this variant to ClinVar. Based on the evidence outlined above, the variant was classified as uncertain significance.